The following is an entry in ClinVar:

NM_000038.6(APC):c.3533A>T (p.Asp1178Val)

Gene: APC (APC regulator of Wnt signaling pathway; plus strand). Cytogenetic location: 5q22.2.
Variant type: single nucleotide variant.
Coding change: c.3533A>T on transcript NM_000038.6 (MANE Select); coding-DNA position 3533, A replaced by T.
Protein change: p.Asp1178Val; replaces aspartic acid 1178 with valine.
Molecular consequence: missense variant.
Genome position (GRCh38, 1-based): chr5:112,839,127, A>T. VCF-style: chr5-112839127-A-T. GRCh37 (hg19) VCF-style: chr5-112174824-A-T.
Other names: c.3533A>T, p.Asp1178Val (NM_001127510.3, NM_001354895.2, NM_001407450.1); c.3479A>T, p.Asp1160Val (NM_001127511.3); c.3587A>T, p.Asp1196Val (NM_001354896.2, NM_001407447.1, NM_001407448.1 and 1 more transcripts); c.3563A>T, p.Asp1188Val (NM_001354897.2); c.3458A>T, p.Asp1153Val (NM_001354898.2); c.3449A>T, p.Asp1150Val (NM_001354899.2); c.3410A>T, p.Asp1137Val (NM_001354900.2); c.3356A>T, p.Asp1119Val (NM_001354901.2, NM_001407453.1); and 11 more; short protein forms D1049V, D1052V, D1077V, D1095V, D1119V, D1137V, D1160V, D1087V.
Identifiers: ClinVar variation 1732380 (VCV001732380.5), dbSNP rs1765448242, ClinGen allele CA16029096.
Genomic context (GRCh38, chr5:112,839,127, plus strand): 5'-GACCAACAAATTATAGCATAAAATATAATGAAGAGAAACGTCATGTGGATCAGCCTATTG[A>T]TTATAGTTTAAAATATGCCACAGATATTCCTTCATCACAGAAACAGTCATTTTCATTCTC-3'
Protein context (NP_000029.2, residues 1168-1188): EEKRHVDQPI[Asp1178Val]YSLKYATDIP

ClinVar aggregate classification (germline): Uncertain significance. Review status: criteria provided, multiple submitters, no conflicts (2 of 4 stars). 2 submissions from 2 submitters: Uncertain significance (2). Last evaluated 2023-04-07.

Conditions:
Hereditary cancer-predisposing syndrome. Also called: Neoplastic Syndromes, Hereditary; Tumor predisposition; Hereditary Cancer Syndrome; Hereditary neoplastic syndrome. Identifiers: Orphanet 140162, MedGen C0027672, MeSH D009386, MONDO:0015356.
Familial adenomatous polyposis 1 (FAP1). Also called: FAMILIAL ADENOMATOUS POLYPOSIS 1, ATTENUATED; POLYPOSIS, ADENOMATOUS INTESTINAL. Identifiers: MedGen C2713442, MONDO:0021056, OMIM 175100. Disease mechanism: loss of function.

Submissions (2):

Labcorp Genetics (formerly Invitae), Labcorp
Classification: Uncertain significance for Familial adenomatous polyposis 1. Last evaluated: 2023-04-07. Review status: criteria provided, single submitter. Criteria: Invitae Variant Classification Sherloc (09022015). Collection method: clinical testing. Allele origin: germline.
Comment: In summary, the available evidence is currently insufficient to determine the role of this variant in disease. Therefore, it has been classified as a Variant of Uncertain Significance. Advanced modeling of protein sequence and biophysical properties (such as structural, functional, and spatial information, amino acid conservation, physicochemical variation, residue mobility, and thermodynamic stability) performed at Invitae indicates that this missense variant is not expected to disrupt APC protein function. ClinVar contains an entry for this variant (Variation ID: 1732380). This variant has not been reported in the literature in individuals affected with APC-related conditions. This variant is not present in population databases (gnomAD no frequency). This sequence change replaces aspartic acid, which is acidic and polar, with valine, which is neutral and non-polar, at codon 1178 of the APC protein (p.Asp1178Val).

Ambry Genetics
Classification: Uncertain significance for Hereditary cancer-predisposing syndrome. Last evaluated: 2021-09-02. Review status: criteria provided, single submitter. Criteria: Ambry Variant Classification Scheme 2023. Collection method: clinical testing. Allele origin: germline.
Comment: The p.D1178V variant (also known as c.3533A>T), located in coding exon 15 of the APC gene, results from an A to T substitution at nucleotide position 3533. The aspartic acid at codon 1178 is replaced by valine, an amino acid with highly dissimilar properties. This amino acid position is highly conserved in available vertebrate species. In addition, in silico predictors for this gene do not accurately predict pathogenicity. Since supporting evidence is limited at this time, the clinical significance of this alteration remains unclear.